The following is an entry in ClinVar:

ClinVar aggregate classification (germline): Uncertain significance (1 of 4 stars; one submission).

Conditions:
Mevalonic aciduria (MEVA). Identifiers: Orphanet 29, MedGen C1959626, MONDO:0012481, OMIM 610377.
Hyperimmunoglobulin D with periodic fever (HIDS). Also called: HYPERIMMUNOGLOBULINEMIA D AND PERIODIC FEVER SYNDROME; Hyperimmunoglobulinemia D; Hyperimmunoglobulinemia D with periodic fever. Identifiers: Orphanet 343, MedGen C0398691, MONDO:0009849, OMIM 260920.
Porokeratosis 3, disseminated superficial actinic type (POROK3). Also called: POROKERATOSIS, DISSEMINATED SUPERFICIAL ACTINIC, 1; POROKERATOSIS 3, MULTIPLE TYPES; POROKERATOSIS 3, MIBELLI TYPE. Identifiers: MedGen C1867981, MONDO:0008293, OMIM 175900.

Submission:

Labcorp Genetics (formerly Invitae), Labcorp
Classification: Uncertain significance for Mevalonic aciduria; Hyperimmunoglobulin D with periodic fever; Porokeratosis 3, disseminated superficial actinic type. Last evaluated: 2025-01-15. Review status: criteria provided, single submitter. Criteria: Invitae Variant Classification Sherloc (09022015). Collection method: clinical testing. Allele origin: germline.
Comment: This sequence change replaces glycine, which is neutral and non-polar, with valine, which is neutral and non-polar, at codon 140 of the MVK protein (p.Gly140Val). This variant is not present in population databases (gnomAD no frequency). This variant has not been reported in the literature in individuals affected with MVK-related conditions. ClinVar contains an entry for this variant (Variation ID: 2942860). Invitae Evidence Modeling of protein sequence and biophysical properties (such as structural, functional, and spatial information, amino acid conservation, physicochemical variation, residue mobility, and thermodynamic stability) indicates that this missense variant is expected to disrupt MVK protein function with a positive predictive value of 95%. In summary, the available evidence is currently insufficient to determine the role of this variant in disease. Therefore, it has been classified as a Variant of Uncertain Significance.

NM_000431.4(MVK):c.419G>T (p.Gly140Val)

Gene: MVK (mevalonate kinase; plus strand). Cytogenetic location: 12q24.11.
Variant type: single nucleotide variant.
Coding change: c.419G>T on transcript NM_000431.4 (MANE Select); coding-DNA position 419, G replaced by T.
Protein change: p.Gly140Val; replaces glycine 140 with valine.
Molecular consequence: missense variant. On other transcripts: 5 prime UTR variant (1), non-coding transcript variant (3), intron variant (2).
Genome position (GRCh38, 1-based): chr12:109,581,442, G>T. VCF-style: chr12-109581442-G-T. GRCh37 (hg19) VCF-style: chr12-110019247-G-T.
Other names: c.419G>T, p.Gly140Val (NM_001114185.3, NM_001414511.1, NM_001414512.1 and 1 more transcripts); c.-164G>T (NM_001414515.1); c.371+1496G>T (NM_001414514.1, NM_001301182.2); short protein forms G140V.
Identifiers: ClinVar variation 2942860 (VCV002942860.3), dbSNP rs752578165, ClinGen allele CA386646109.
Genomic context (GRCh38, chr12:109,581,442, plus strand): 5'-TGGTGTGTTTCAGGGCCCTGCCGAGCCTGGATATCGTAGTGTGGTCGGAGCTGCCCCCCG[G>T]GGCGGGCTTGGGCTCCAGCGCCGCCTACTCGGTGTGTCTGGCAGCAGCCCTCCTGACTGT-3'
Protein context (NP_000422.1, residues 130-150): DIVVWSELPP[Gly140Val]AGLGSSAAYS